The following is an entry in ClinVar:

ClinVar aggregate classification (germline): Uncertain significance (0 of 4 stars; one submission).

Conditions:
PTPRS-related disorder. Also called: PTPRS-related condition.

gnomAD v4.1: 3 of 1,613,638 alleles (0.00019%); highest among the groups gnomAD compares: African/African-American, 0.004%; no homozygotes.

Submission:

PreventionGenetics, part of Exact Sciences
Classification: Uncertain significance for PTPRS-related condition. Last evaluated: 2024-03-27. Review status: no assertion criteria provided. Collection method: clinical testing. Allele origin: germline.
Comment: The PTPRS c.5079C>G variant is predicted to result in the amino acid substitution p.His1693Gln. To our knowledge, this variant has not been reported in the literature or in a large population database, indicating this variant is rare. At this time, the clinical significance of this variant is uncertain due to the absence of conclusive functional and genetic evidence.

NM_002850.4(PTPRS):c.5079C>G (p.His1693Gln)

Gene: PTPRS (protein tyrosine phosphatase receptor type S; minus strand). Cytogenetic location: 19p13.3.
Variant type: single nucleotide variant.
Coding change: c.5079C>G on transcript NM_002850.4 (MANE Select); coding-DNA position 5079, C replaced by G.
Protein change: p.His1693Gln; replaces histidine 1693 with glutamine.
Molecular consequence: missense variant.
Genome position (GRCh38, 1-based): chr19:5,211,745, G>C on the plus strand (C>G on the coding strand, the complement: PTPRS is on the minus strand). VCF-style: chr19-5211745-G-C. GRCh37 (hg19) VCF-style: chr19-5211756-G-C.
Other names: c.5013C>G, p.His1671Gln (NM_001394011.1); c.4992C>G, p.His1664Gln (NM_001394012.1); c.4953C>G, p.His1651Gln (NM_001394013.1); c.3738C>G, p.His1246Gln (NM_130853.3); c.4965C>G, p.His1655Gln (NM_130854.3); c.3750C>G, p.His1250Gln (NM_130855.3); short protein forms H1246Q, H1250Q, H1651Q, H1655Q, H1664Q, H1671Q, H1693Q.
Identifiers: ClinVar variation 3357716 (VCV003357716.1).